The following is an entry in ClinVar:

NM_138295.5(PKD1L1):c.7835G>A (p.Arg2612Gln)

Genes: PKD1L1 (polycystin 1 like 1, transient receptor potential channel interacting; minus strand), PKD1L1-AS1 (PKD1L1 antisense RNA 1; plus strand). Cytogenetic location: 7p12.3.
Variant type: single nucleotide variant.
Coding change: c.7835G>A on transcript NM_138295.5 (MANE Select); coding-DNA position 7835, G replaced by A.
Protein change: p.Arg2612Gln; replaces arginine 2612 with glutamine.
Molecular consequence: missense variant.
Genome position (GRCh38, 1-based): chr7:47,803,337, C>T on the plus strand (G>A on the coding strand, the complement: PKD1L1 is on the minus strand). VCF-style: chr7-47803337-C-T. GRCh37 (hg19) VCF-style: chr7-47842935-C-T.
Other names: short protein forms R2612Q.
Identifiers: ClinVar variation 4981922 (VCV004981922.1).
Genomic context (GRCh38, chr7:47,803,337, plus strand): 5'-ATGCCAGGAAGATAGACGCATTTTAATGTGAAGAGGAATAAGAGGATTCCCCGGAGCCAT[C>T]GAGCCCTCTGAGACAGAAGAACATAACAGTCAGTGTGCCATGCCAGTCACTGAAAGGTGC-3'
Protein context (NP_612152.1, residues 2602-2622): TLMASWNQRA[Arg2612Gln]WLRGILLFLF

ClinVar aggregate classification (germline): Uncertain significance (1 of 4 stars; one submission).

Conditions:
PKD1L1-related disorder. Also called: PKD1L1-related condition.

gnomAD v4.1: 36 of 1,613,608 alleles (0.0022%); highest among the groups gnomAD compares: African/African-American, 0.0053%; no homozygotes.

Submission:

PreventionGenetics, part of Exact Sciences
Classification: Uncertain significance for PKD1L1-related condition. Last evaluated: 2025-08-13. Review status: criteria provided, single submitter. Criteria: ACMG Guidelines, 2015. Collection method: clinical testing. Allele origin: germline.
Comment: The PKD1L1 c.7835G>A variant is predicted to result in the amino acid substitution p.Arg2612Gln. To our knowledge, this variant has not been reported in the literature. This variant is reported in 0.0018% of alleles in individuals of European (Non-Finnish) descent in gnomAD. At this time, the clinical significance of this variant is uncertain due to the absence of conclusive functional and genetic evidence.